The following is an entry in ClinVar:

ClinVar aggregate classification (germline): Uncertain significance. Review status: criteria provided, multiple submitters, no conflicts (2 of 4 stars). 2 submissions from 2 submitters: Uncertain significance (2). Last evaluated 2023-12-22.

Conditions:
Inborn genetic diseases. Identifiers: MedGen C0950123, MeSH D030342.

Allele frequency attached by ClinVar (database versions not stated): ExAC 0.00003; ESP Exome Variant Server 0.00008; TOPMed 0.00003; gnomAD 0.00005.
gnomAD v4.1: 78 of 1,611,330 alleles (0.0048%); highest among the groups gnomAD compares: Non-Finnish European, 0.0055%; no homozygotes.

Submissions (2):

Ambry Genetics
Classification: Uncertain significance for Inborn genetic diseases. Last evaluated: 2023-12-22. Review status: criteria provided, single submitter. Criteria: Ambry Variant Classification Scheme 2023. Collection method: clinical testing. Allele origin: germline.

Labcorp Genetics (formerly Invitae), Labcorp
Classification: Uncertain significance. Last evaluated: 2022-07-12. Review status: criteria provided, single submitter. Criteria: Invitae Variant Classification Sherloc (09022015). Collection method: clinical testing. Allele origin: germline.
Comment: This sequence change replaces arginine, which is basic and polar, with glutamine, which is neutral and polar, at codon 900 of the PPP1R12A protein (p.Arg900Gln). In summary, the available evidence is currently insufficient to determine the role of this variant in disease. Therefore, it has been classified as a Variant of Uncertain Significance. Algorithms developed to predict the effect of missense changes on protein structure and function are either unavailable or do not agree on the potential impact of this missense change (SIFT: "Deleterious"; PolyPhen-2: "Probably Damaging"; Align-GVGD: "Class C0"). This variant has not been reported in the literature in individuals affected with PPP1R12A-related conditions. This variant is present in population databases (rs369205033, gnomAD 0.005%).

NM_002480.3(PPP1R12A):c.2699G>A (p.Arg900Gln)

Gene: PPP1R12A (protein phosphatase 1 regulatory subunit 12A; minus strand). Cytogenetic location: 12q21.2.
Variant type: single nucleotide variant.
Coding change: c.2699G>A on transcript NM_002480.3 (MANE Select); coding-DNA position 2699, G replaced by A.
Protein change: p.Arg900Gln; replaces arginine 900 with glutamine.
Molecular consequence: missense variant.
Genome position (GRCh38, 1-based): chr12:79,788,751, C>T on the plus strand (G>A on the coding strand, the complement: PPP1R12A is on the minus strand). VCF-style: chr12-79788751-C-T. GRCh37 (hg19) VCF-style: chr12-80182531-C-T.
Other names: c.2699G>A, p.Arg900Gln (NM_001143885.2, NM_001244990.2); c.2438G>A, p.Arg813Gln (NM_001143886.2); c.2531G>A, p.Arg844Gln (NM_001244992.1); c.2699G>A (NM_002480.2); short protein forms R813Q, R900Q, R844Q.
Identifiers: ClinVar variation 2072404 (VCV002072404.5), dbSNP rs369205033, ClinGen allele CA6699358.